The following is an entry in ClinVar:

NM_000390.4(CHM):c.1751A>G (p.Asn584Ser)

Gene: CHM (CHM Rab escort protein; minus strand). Cytogenetic location: Xq21.2.
Variant type: single nucleotide variant.
Coding change: c.1751A>G on transcript NM_000390.4 (MANE Select); coding-DNA position 1751, A replaced by G.
Protein change: p.Asn584Ser; replaces asparagine 584 with serine.
Molecular consequence: missense variant.
Genome position (GRCh38, 1-based): chrX:85,873,071, T>C on the plus strand (A>G on the coding strand, the complement: CHM is on the minus strand). VCF-style: chrX-85873071-T-C. GRCh37 (hg19) VCF-style: chrX-85128076-T-C.
Other names: c.1307A>G, p.Asn436Ser (NM_001320959.1, NM_001362517.1, NM_001362518.2 and 1 more transcripts); short protein forms N436S, N584S.
Identifiers: ClinVar variation 2975051 (VCV002975051.3), dbSNP rs2520014121, ClinGen allele CA413786281.
Genomic context (GRCh38, chrX:85,873,071, plus strand): 5'-CAACATCTTAATACAAAACTGAGAAACATCAAGAGCCTTACCTGTTTGACTGCATTATCA[T>C]TTCCTAAACCACAATCTGGGCCAGAGCAGACATAAACGTTGGATGGTAAATCATTATAAC-3'
Protein context (NP_000381.1, residues 574-594): VCSGPDCGLG[Asn584Ser]DNAVKQAETL

ClinVar aggregate classification (germline): Uncertain significance (1 of 4 stars; one submission).

Submission:

Labcorp Genetics (formerly Invitae), Labcorp
Classification: Uncertain significance. Last evaluated: 2023-05-08. Review status: criteria provided, single submitter. Criteria: Invitae Variant Classification Sherloc (09022015). Collection method: clinical testing. Allele origin: germline.
Comment: In summary, the available evidence is currently insufficient to determine the role of this variant in disease. Therefore, it has been classified as a Variant of Uncertain Significance. This sequence change replaces asparagine, which is neutral and polar, with serine, which is neutral and polar, at codon 584 of the CHM protein (p.Asn584Ser). This variant is not present in population databases (gnomAD no frequency). This variant has not been reported in the literature in individuals affected with CHM-related conditions. Advanced modeling of protein sequence and biophysical properties (such as structural, functional, and spatial information, amino acid conservation, physicochemical variation, residue mobility, and thermodynamic stability) performed at Invitae indicates that this missense variant is not expected to disrupt CHM protein function.